The following is an entry in ClinVar:

NM_030962.4(SBF2):c.141+9T>A

Gene: SBF2 (SET binding factor 2; minus strand). Cytogenetic location: 11p15.4.
Variant type: single nucleotide variant.
Coding change: c.141+9T>A on transcript NM_030962.4 (MANE Select); 9 bases into the intron after coding-DNA position 141, T replaced by A.
Molecular consequence: intron variant.
Genome position (GRCh38, 1-based): chr11:10,193,893, A>T on the plus strand (T>A on the coding strand, the complement: SBF2 is on the minus strand). VCF-style: chr11-10193893-A-T. GRCh37 (hg19) VCF-style: chr11-10215440-A-T.
Other names: c.141+9T>A (NM_001386342.1, NM_001386339.1).
Identifiers: ClinVar variation 476913 (VCV000476913.10), dbSNP rs760322801, ClinGen allele CA5882214.

ClinVar aggregate classification (germline): Likely benign. Review status: criteria provided, multiple submitters, no conflicts (2 of 4 stars). 2 submissions from 2 submitters: Likely benign (2). Last evaluated 2026-09-04.

Conditions:
SBF2-related disorder. Also called: SBF2-related condition.
Charcot-Marie-Tooth disease type 4. Also called: Charcot-Marie-Tooth disease, type IV; Charcot-Marie-Tooth, Type 4. Identifiers: Orphanet 64749, MedGen C4082197, MONDO:0018995.

Allele frequency attached by ClinVar (database versions not stated): ExAC 0.00001; gnomAD 0.00001; gnomAD exomes 0.00001 and below 0.00001; TOPMed 0.00001.
gnomAD v4.1: 6 of 1,583,572 alleles (0.00038%); highest among the groups gnomAD compares: African/African-American, 0.0013%; no homozygotes.

Submissions (2):

PreventionGenetics, part of Exact Sciences
Classification: Likely benign for SBF2-related condition. Last evaluated: 2026-09-04. Review status: criteria provided, single submitter. Criteria: ACMG Guidelines, 2015. Collection method: clinical testing. Allele origin: germline.
Comment: This variant is classified as likely benign based on ACMG/AMP sequence variant interpretation guidelines (Richards et al. 2015 PMID: 25741868, with internal and published modifications).

Labcorp Genetics (formerly Invitae), Labcorp
Classification: Likely benign for Charcot-Marie-Tooth disease type 4. Last evaluated: 2024-08-28. Review status: criteria provided, single submitter. Criteria: Invitae Variant Classification Sherloc (09022015). Collection method: clinical testing. Allele origin: germline.